The following is an entry in ClinVar:

ClinVar aggregate classification (germline): Likely pathogenic (1 of 4 stars; one submission).

Conditions:
Alkaptonuria (AKU). Also called: Alcaptonuria; HOMOGENTISIC ACID OXIDASE DEFICIENCY; Alkaptonuric ochronosis; Homogentisic acidura. Identifiers: Orphanet 56, MedGen C0002066, MONDO:0008753, OMIM 203500.

Submission:

Myriad Genetics, Inc.
Classification: Likely pathogenic for Alkaptonuria. Last evaluated: 2022-02-19. Review status: criteria provided, single submitter. Criteria: Myriad Women's Health Autosomal Recessive and X-Linked Classification Criteria (2021). Collection method: clinical testing. Allele origin: unknown.
Comment: NM_000187.3(HGD):c.148_149delAC(T50Lfs*7) is expected to be pathogenic in the context of alkaptonuria. This variant is predicted to lead to an abnormal or absent protein product due to the creation of a premature termination codon in HGD, a gene where loss-of-function variants are known to be pathogenic. Please note: this variant was assessed in the context of healthy population screening.

NM_000187.4(HGD):c.148_149del (p.Thr50fs)

Gene: HGD (homogentisate 1,2-dioxygenase; minus strand). Cytogenetic location: 3q13.33.
Variant type: Deletion.
Coding change: c.148_149del on transcript NM_000187.4 (MANE Select); coding-DNA positions 148 to 149, 2 bases deleted (AC; older notation c.148_149delAC).
Protein change: p.Thr50fs; shifts the reading frame from threonine 50.
Molecular consequence: frameshift variant.
Genome position (GRCh38, 1-based): chr3:120,674,928-120,674,929, GT deleted on the plus strand (AC on the coding strand, the reverse complement: HGD is on the minus strand); deleting any 2 consecutive bases within chr3:120,674,928-120,674,930 gives the same sequence; the c. name uses the placement nearest the transcript's 3' end. VCF-style (leftmost placement, unchanged base first): chr3-120674927-AGT-A. GRCh37 (hg19) VCF-style: chr3-120393774-AGT-A.
Other names: short protein forms T50fs.
Identifiers: ClinVar variation 1724524 (VCV001724524.2), dbSNP rs2472800910, ClinGen allele CA2580068600.
Genomic context (GRCh38, chr3:120,674,927, plus strand): 5'-AGTCTGCAGGTCAGAATTCATCTAATCCTTGTACCTTCTCTTATTGGTGCTCCGTGGACA[AGT>A]GAAAGCCGATCCTGAGAGCTGCTCAGCATAGAGATTGTAGGGGCAGACCTGAGGATTATT-3'